The following is an entry in ClinVar:

ClinVar aggregate classification (germline): Uncertain significance (1 of 4 stars; one submission).

Conditions:
Kabuki syndrome. Also called: Kabuki make-up syndrome; NIIKAWA-KUROKI SYNDROME. Identifiers: Orphanet 2322, MedGen C0796004, MONDO:0016512.

Submission:

Labcorp Genetics (formerly Invitae), Labcorp
Classification: Uncertain significance for Kabuki syndrome. Last evaluated: 2023-04-22. Review status: criteria provided, single submitter. Criteria: Invitae Variant Classification Sherloc (09022015). Collection method: clinical testing. Allele origin: germline.
Comment: This variant has not been reported in the literature in individuals affected with KMT2D-related conditions. In summary, the available evidence is currently insufficient to determine the role of this variant in disease. Therefore, it has been classified as a Variant of Uncertain Significance. Advanced modeling of protein sequence and biophysical properties (such as structural, functional, and spatial information, amino acid conservation, physicochemical variation, residue mobility, and thermodynamic stability) performed at Invitae indicates that this missense variant is not expected to disrupt KMT2D protein function. This variant is not present in population databases (gnomAD no frequency). This sequence change replaces glutamic acid, which is acidic and polar, with glycine, which is neutral and non-polar, at codon 2941 of the KMT2D protein (p.Glu2941Gly).

NM_003482.4(KMT2D):c.8822A>G (p.Glu2941Gly)

Gene: KMT2D (lysine methyltransferase 2D; minus strand). Cytogenetic location: 12q13.12.
Variant type: single nucleotide variant.
Coding change: c.8822A>G on transcript NM_003482.4 (MANE Select); coding-DNA position 8822, A replaced by G.
Protein change: p.Glu2941Gly; replaces glutamic acid 2941 with glycine.
Molecular consequence: missense variant.
Genome position (GRCh38, 1-based): chr12:49,038,534, T>C on the plus strand (A>G on the coding strand, the complement: KMT2D is on the minus strand). VCF-style: chr12-49038534-T-C. GRCh37 (hg19) VCF-style: chr12-49432317-T-C.
Other names: short protein forms E2941G.
Identifiers: ClinVar variation 2716897 (VCV002716897.3), dbSNP rs2120499684, ClinGen allele CA384740824.